The following is an entry in ClinVar:

NM_004483.5(GCSH):c.400G>A (p.Val134Ile)

Gene: GCSH (glycine cleavage system protein H; minus strand). Cytogenetic location: 16q23.2.
Variant type: single nucleotide variant.
Coding change: c.400G>A on transcript NM_004483.5 (MANE Select); coding-DNA position 400, G replaced by A.
Protein change: p.Val134Ile; replaces valine 134 with isoleucine.
Molecular consequence: missense variant. On other transcripts: non-coding transcript variant (1).
Genome position (GRCh38, 1-based): chr16:81,084,487, C>T on the plus strand (G>A on the coding strand, the complement: GCSH is on the minus strand). VCF-style: chr16-81084487-C-T. GRCh37 (hg19) VCF-style: chr16-81118092-C-T.
Other names: short protein forms V134I.
Identifiers: ClinVar variation 999907 (VCV000999907.9), dbSNP rs766903708, ClinGen allele CA8186730.
Genomic context (GRCh38, chr16:81,084,487, plus strand): 5'-TAGTAATTCCTTGAGAAATTTCTAGCAACAGCTTACCATCTTCATAACAAGATTTGTTTA[C>T]AAGTCCTGGATTTTCTGCAAGAGCTTCATTAATTTCAGTTACTTCTCCTGATAAAGGAGA-3'
Protein context (NP_004474.2, residues 124-144): NEALAENPGL[Val134Ile]NKSCYEDGWL

ClinVar aggregate classification (germline): Uncertain significance (1 of 4 stars; one submission).

Conditions:
Glycine encephalopathy. Also called: Non-ketotic hyperglycinemia; Nonketotic hyperglycinemia. Identifiers: Orphanet 407, MedGen C0751748, MONDO:0011612, HP:0008288.

Allele frequency attached by ClinVar (database versions not stated): ExAC 0.00001; gnomAD 0.00001; gnomAD exomes 0.00001; TOPMed 0.00001.
gnomAD v4.1: 11 of 1,610,868 alleles (0.00068%); highest among the groups gnomAD compares: Non-Finnish European, 0.00093%; no homozygotes.

Submission:

Labcorp Genetics (formerly Invitae), Labcorp
Classification: Uncertain significance for Glycine encephalopathy. Last evaluated: 2025-09-08. Review status: criteria provided, single submitter. Criteria: Invitae Variant Classification Sherloc (09022015). Collection method: clinical testing. Allele origin: germline.
Comment: This sequence change replaces valine, which is neutral and non-polar, with isoleucine, which is neutral and non-polar, at codon 134 of the GCSH protein (p.Val134Ile). This variant is present in population databases (rs766903708, gnomAD 0.0009%). This variant has not been reported in the literature in individuals affected with GCSH-related conditions. ClinVar contains an entry for this variant (Variation ID: 999907). An algorithm developed to predict the effect of missense changes on protein structure and function outputs the following: PolyPhen-2: "Benign". The isoleucine amino acid residue is found in multiple mammalian species, which suggests that this missense change does not adversely affect protein function. In summary, the available evidence is currently insufficient to determine the role of this variant in disease. Therefore, it has been classified as a Variant of Uncertain Significance.